The following is an entry in ClinVar:

NM_000051.4(ATM):c.3636T>C (p.Ser1212=)

Gene: ATM (ATM serine/threonine kinase; plus strand). Cytogenetic location: 11q22.3.
Variant type: single nucleotide variant.
Coding change: c.3636T>C on transcript NM_000051.4 (MANE Select); coding-DNA position 3636, T replaced by C.
Protein change: p.Ser1212=; no amino-acid change (serine 1212 retained).
Molecular consequence: synonymous variant.
Genome position (GRCh38, 1-based): chr11:108,282,769, T>C. VCF-style: chr11-108282769-T-C. GRCh37 (hg19) VCF-style: chr11-108153496-T-C.
Other names: c.3636T>C (NM_000051.3); c.3636T>C, p.Ser1212= (NM_001351834.2).
Identifiers: ClinVar variation 1087908 (VCV001087908.11), dbSNP rs2135688431, ClinGen allele CA476673261.

ClinVar aggregate classification (germline): Benign/Likely benign. Review status: criteria provided, multiple submitters, no conflicts (2 of 4 stars). 3 submissions from 3 submitters: Benign (1); Likely benign (2). Last evaluated 2024-12-22.

Conditions:
Hereditary cancer-predisposing syndrome. Also called: Neoplastic Syndromes, Hereditary; Hereditary neoplastic syndrome; Hereditary Cancer Syndrome; Tumor predisposition. Identifiers: Orphanet 140162, MedGen C0027672, MeSH D009386, MONDO:0015356.
Ataxia-telangiectasia syndrome (AT). Also called: Ataxia-telangiectasia, complementation group D; Ataxia-telangiectasia, complementation group E; Cerebello-oculocutaneous telangiectasia; Immunodeficiency with ataxia telangiectasia; Ataxia telangiectasia (A-T); Ataxia-telangiectasia. Identifiers: Orphanet 100, MedGen C0004135, MONDO:0008840, OMIM 208900.
Familial cancer of breast. Also called: BREAST CANCER, FAMILIAL; Hereditary breast cancer; hereditary breast carcinoma. Identifiers: Orphanet 227535, MedGen C0346153, MONDO:0016419, OMIM 114480. Disease mechanism: loss of function.

Submissions (3):

Ambry Genetics
Classification: Likely benign for Hereditary cancer-predisposing syndrome. Last evaluated: 2024-12-22. Review status: criteria provided, single submitter. Criteria: Ambry Variant Classification Scheme 2023. Collection method: clinical testing. Allele origin: germline.

Myriad Genetics, Inc.
Classification: Benign for Familial cancer of breast. Last evaluated: 2024-05-15. Review status: criteria provided, single submitter. Criteria: Myriad Autosomal Dominant, Autosomal Recessive and X-Linked Classification Criteria (2023). Collection method: clinical testing. Allele origin: unknown.
Comment: This variant is considered benign. This variant is a silent/synonymous amino acid change and it is not expected to impact splicing.

Labcorp Genetics (formerly Invitae), Labcorp
Classification: Likely benign for Ataxia-telangiectasia syndrome. Last evaluated: 2023-07-31. Review status: criteria provided, single submitter. Criteria: Invitae Variant Classification Sherloc (09022015). Collection method: clinical testing. Allele origin: germline.